The following is an entry in ClinVar:

NM_021939.4(FKBP10):c.445G>A (p.Val149Met)

Gene: FKBP10 (FKBP prolyl isomerase 10; plus strand). Cytogenetic location: 17q21.2.
Variant type: single nucleotide variant.
Coding change: c.445G>A on transcript NM_021939.4 (MANE Select); coding-DNA position 445, G replaced by A.
Protein change: p.Val149Met; replaces valine 149 with methionine.
Molecular consequence: missense variant.
Genome position (GRCh38, 1-based): chr17:41,818,142, G>A. VCF-style: chr17-41818142-G-A. GRCh37 (hg19) VCF-style: chr17-39974394-G-A.
Other names: short protein forms V149M.
Identifiers: ClinVar variation 1433977 (VCV001433977.6), dbSNP rs1555616356, ClinGen allele CA399514451.
Genomic context (GRCh38, chr17:41,818,142, plus strand): 5'-CTCACAGCGGGGCTCATTCCACCGGATGCCACCCTCTACTTCGATGTGGTTCTGCTGGAT[G>A]TGTGGAACAAGGAAGACACCGTGCAGGTGAGCACATTGCTGCGCCCGCCCCACTGCCCCC-3'
Protein context (NP_068758.3, residues 139-159): TLYFDVVLLD[Val149Met]WNKEDTVQVS

ClinVar aggregate classification (germline): Uncertain significance (1 of 4 stars; one submission).

Submission:

Labcorp Genetics (formerly Invitae), Labcorp
Classification: Uncertain significance. Last evaluated: 2022-01-27. Review status: criteria provided, single submitter. Criteria: Invitae Variant Classification Sherloc (09022015). Collection method: clinical testing. Allele origin: germline.
Comment: This sequence change replaces valine, which is neutral and non-polar, with methionine, which is neutral and non-polar, at codon 149 of the FKBP10 protein (p.Val149Met). This variant is not present in population databases (gnomAD no frequency). This variant has not been reported in the literature in individuals affected with FKBP10-related conditions. Algorithms developed to predict the effect of missense changes on protein structure and function are either unavailable or do not agree on the potential impact of this missense change (SIFT: "Deleterious"; PolyPhen-2: "Possibly Damaging"; Align-GVGD: "Class C0"). In summary, the available evidence is currently insufficient to determine the role of this variant in disease. Therefore, it has been classified as a Variant of Uncertain Significance.